The following is an entry in ClinVar:

NM_006086.4(TUBB3):c.670G>A (p.Asp224Asn)

Gene: TUBB3 (tubulin beta 3 class III; plus strand). Cytogenetic location: 16q24.3.
Variant type: single nucleotide variant.
Coding change: c.670G>A on transcript NM_006086.4 (MANE Select); coding-DNA position 670, G replaced by A.
Protein change: p.Asp224Asn; replaces aspartic acid 224 with asparagine.
Molecular consequence: missense variant.
Genome position (GRCh38, 1-based): chr16:89,935,121, G>A. VCF-style: chr16-89935121-G-A. GRCh37 (hg19) VCF-style: chr16-90001529-G-A.
Other names: c.454G>A, p.Asp152Asn (NM_001197181.2); short protein forms D152N, D224N.
Identifiers: ClinVar variation 2579445 (VCV002579445.1), dbSNP rs2544627553, ClinGen allele CA397475083.

ClinVar aggregate classification (germline): Uncertain significance (1 of 4 stars; one submission).

Submission:

GeneDx
Classification: Uncertain significance. Last evaluated: 2023-02-28. Review status: criteria provided, single submitter. Criteria: GeneDx Variant Classification Process June 2021. Collection method: clinical testing. Allele origin: germline. Affected: yes.
Comment: Published functional studies demonstrate p.(D224N) increased microtubule stability (Hari et al., 2003); Not observed at significant frequency in large population cohorts (gnomAD); Missense variants in this gene are often considered pathogenic (HGMD); In silico analysis supports that this missense variant has a deleterious effect on protein structure/function; This variant is associated with the following publications: (PMID: 20829227, 12883031)